The following is an entry in ClinVar:

NM_001733.7(C1R):c.1527C>T (p.His509=)

Gene: C1R (complement C1r; minus strand). Cytogenetic location: 12p13.31.
Variant type: single nucleotide variant.
Coding change: c.1527C>T on transcript NM_001733.7 (MANE Select); coding-DNA position 1527, C replaced by T.
Protein change: p.His509=; no amino-acid change (histidine 509 retained).
Molecular consequence: synonymous variant.
Genome position (GRCh38, 1-based): chr12:7,081,123, G>A on the plus strand (C>T on the coding strand, the complement: C1R is on the minus strand). VCF-style: chr12-7081123-G-A. GRCh37 (hg19) VCF-style: chr12-7188427-G-A.
Other names: c.1569C>T, p.His523= (NM_001354346.2).
Identifiers: ClinVar variation 4872656 (VCV004872656.2).

ClinVar aggregate classification (germline): Likely benign (1 of 4 stars; one submission).

gnomAD v4.1: 847 of 1,614,024 alleles (0.052%); highest among the groups gnomAD compares: South Asian, 0.83%; 14 homozygotes.

Submission:

CeGaT Center for Human Genetics Tuebingen
Classification: Likely benign. Last evaluated: 2026-06-01. Review status: criteria provided, single submitter. Criteria: CeGaT Center For Human Genetics Tuebingen Variant Classification Criteria Version 2. Collection method: clinical testing. Allele origin: germline. Affected: yes. Observed: 1 variant allele.
Comment: C1R: BP4, BP7, BS2